The following is an entry in ClinVar:

NM_052854.4(CREB3L1):c.773G>A (p.Gly258Glu)

Gene: CREB3L1 (cAMP responsive element binding protein 3 like 1; plus strand). Cytogenetic location: 11p11.2.
Variant type: single nucleotide variant.
Coding change: c.773G>A on transcript NM_052854.4 (MANE Select); coding-DNA position 773, G replaced by A.
Protein change: p.Gly258Glu; replaces glycine 258 with glutamic acid.
Molecular consequence: missense variant.
Genome position (GRCh38, 1-based): chr11:46,312,344, G>A. VCF-style: chr11-46312344-G-A. GRCh37 (hg19) VCF-style: chr11-46333895-G-A.
Other names: short protein forms G258E.
Identifiers: ClinVar variation 2011997 (VCV002011997.4), dbSNP rs1335046104, ClinGen allele CA380221497.

ClinVar aggregate classification (germline): Uncertain significance (1 of 4 stars; one submission).

Submission:

Labcorp Genetics (formerly Invitae), Labcorp
Classification: Uncertain significance. Last evaluated: 2022-06-28. Review status: criteria provided, single submitter. Criteria: Invitae Variant Classification Sherloc (09022015). Collection method: clinical testing. Allele origin: germline.
Comment: This sequence change replaces glycine, which is neutral and non-polar, with glutamic acid, which is acidic and polar, at codon 258 of the CREB3L1 protein (p.Gly258Glu). This variant is not present in population databases (gnomAD no frequency). This variant has not been reported in the literature in individuals affected with CREB3L1-related conditions. Algorithms developed to predict the effect of missense changes on protein structure and function (SIFT, PolyPhen-2, Align-GVGD) all suggest that this variant is likely to be disruptive. In summary, the available evidence is currently insufficient to determine the role of this variant in disease. Therefore, it has been classified as a Variant of Uncertain Significance.